The following is an entry in ClinVar:

ClinVar aggregate classification (germline): Uncertain significance (1 of 4 stars; one submission).

Conditions:
Familial adenomatous polyposis 1 (FAP1). Also called: FAMILIAL ADENOMATOUS POLYPOSIS 1, ATTENUATED; POLYPOSIS, ADENOMATOUS INTESTINAL. Identifiers: MedGen C2713442, MONDO:0021056, OMIM 175100. Disease mechanism: loss of function.

Submission:

Labcorp Genetics (formerly Invitae), Labcorp
Classification: Uncertain significance for Familial adenomatous polyposis 1. Last evaluated: 2023-12-04. Review status: criteria provided, single submitter. Criteria: Invitae Variant Classification Sherloc (09022015). Collection method: clinical testing. Allele origin: germline.
Comment: This sequence change replaces proline, which is neutral and non-polar, with serine, which is neutral and polar, at codon 1778 of the APC protein (p.Pro1778Ser). This variant is not present in population databases (gnomAD no frequency). This variant has not been reported in the literature in individuals affected with APC-related conditions. Advanced modeling of protein sequence and biophysical properties (such as structural, functional, and spatial information, amino acid conservation, physicochemical variation, residue mobility, and thermodynamic stability) performed at Invitae indicates that this missense variant is not expected to disrupt APC protein function with a negative predictive value of 95%. In summary, the available evidence is currently insufficient to determine the role of this variant in disease. Therefore, it has been classified as a Variant of Uncertain Significance.

NM_000038.6(APC):c.5332C>T (p.Pro1778Ser)

Gene: APC (APC regulator of Wnt signaling pathway; plus strand). Cytogenetic location: 5q22.2.
Variant type: single nucleotide variant.
Coding change: c.5332C>T on transcript NM_000038.6 (MANE Select); coding-DNA position 5332, C replaced by T.
Protein change: p.Pro1778Ser; replaces proline 1778 with serine.
Molecular consequence: missense variant. On other transcripts: non-coding transcript variant (2).
Genome position (GRCh38, 1-based): chr5:112,840,926, C>T. VCF-style: chr5-112840926-C-T. GRCh37 (hg19) VCF-style: chr5-112176623-C-T.
Other names: c.5332C>T, p.Pro1778Ser (NM_001127510.3, NM_001354895.2, NM_001407450.1); c.5278C>T, p.Pro1760Ser (NM_001127511.3); c.5386C>T, p.Pro1796Ser (NM_001354896.2, NM_001407447.1, NM_001407448.1 and 1 more transcripts); c.5362C>T, p.Pro1788Ser (NM_001354897.2); c.5257C>T, p.Pro1753Ser (NM_001354898.2); c.5248C>T, p.Pro1750Ser (NM_001354899.2); c.5209C>T, p.Pro1737Ser (NM_001354900.2); c.5155C>T, p.Pro1719Ser (NM_001354901.2, NM_001407453.1); and 11 more; short protein forms P1394S, P1771S, P1796S, P1677S, P1695S, P1719S, P1760S, P1618S.
Identifiers: ClinVar variation 2789833 (VCV002789833.3), dbSNP rs1561599316, ClinGen allele CA16032989.